The following is an entry in ClinVar:

ClinVar aggregate classification (germline): Uncertain significance. Review status: criteria provided, multiple submitters, no conflicts (2 of 4 stars). 2 submissions from 2 submitters: Uncertain significance (2). Last evaluated 2025-05-16.

Conditions:
Encephalopathy, progressive, with amyotrophy and optic atrophy (PEAMO). Identifiers: MedGen C4310667, MONDO:0014968, OMIM 617207.
Inborn genetic diseases. Identifiers: MedGen C0950123, MeSH D030342.

Allele frequency attached by ClinVar (database versions not stated): gnomAD exomes 0.00001 and 0.00002; TOPMed 0.00001; ExAC 0.00001.
gnomAD v4.1: 4 of 1,613,926 alleles (0.00025%); highest among the groups gnomAD compares: Admixed American, 0.0067%; no homozygotes.

Submissions (2):

Ambry Genetics
Classification: Uncertain significance for Inborn genetic diseases. Last evaluated: 2025-05-16. Review status: criteria provided, single submitter. Criteria: Ambry Variant Classification Scheme 2023. Collection method: clinical testing. Allele origin: germline.

Baylor Genetics
Classification: Uncertain significance for Encephalopathy, progressive, with amyotrophy and optic atrophy. Last evaluated: 2019-04-11. Review status: criteria provided, single submitter. Criteria: ACMG Guidelines, 2015. Collection method: clinical testing. Allele origin: paternal. Affected: yes.
Comment: This variant was determined to be of uncertain significance according to ACMG Guidelines, 2015 [PMID:25741868].

NM_003193.5(TBCE):c.529C>A (p.Gln177Lys)

Gene: TBCE (tubulin folding cofactor E; plus strand). Cytogenetic location: 1q42.3.
Variant type: single nucleotide variant.
Coding change: c.529C>A on transcript NM_003193.5 (MANE Select); coding-DNA position 529, C replaced by A.
Protein change: p.Gln177Lys; replaces glutamine 177 with lysine.
Molecular consequence: missense variant.
Genome position (GRCh38, 1-based): chr1:235,427,208, C>A. VCF-style: chr1-235427208-C-A. GRCh37 (hg19) VCF-style: chr1-235590523-C-A.
Other names: c.529C>A, p.Gln177Lys (NM_001079515.3, NM_001287801.2); c.190C>A, p.Gln64Lys (NM_001287802.2); short protein forms Q177K, Q64K.
Identifiers: ClinVar variation 1030641 (VCV001030641.2), dbSNP rs752561706, ClinGen allele CA1464064.